The following is an entry in ClinVar:

ClinVar aggregate classification (germline): Uncertain significance. Review status: criteria provided, multiple submitters, no conflicts (2 of 4 stars). 2 submissions from 2 submitters: Uncertain significance (2). Last evaluated 2024-05-15.

Allele frequency attached by ClinVar (database versions not stated): gnomAD exomes below 0.00001.
gnomAD v4.1: 2 of 1,614,100 alleles (0.00012%); highest among the groups gnomAD compares: Non-Finnish European, 0.00017%; no homozygotes.

Submissions (2):

Labcorp Genetics (formerly Invitae), Labcorp
Classification: Uncertain significance. Last evaluated: 2024-05-15. Review status: criteria provided, single submitter. Criteria: Invitae Variant Classification Sherloc (09022015). Collection method: clinical testing. Allele origin: germline.
Comment: This sequence change replaces histidine, which is basic and polar, with asparagine, which is neutral and polar, at codon 615 of the SCN3A protein (p.His615Asn). This variant is not present in population databases (gnomAD no frequency). This variant has not been reported in the literature in individuals affected with SCN3A-related conditions. ClinVar contains an entry for this variant (Variation ID: 2499764). Advanced modeling of protein sequence and biophysical properties (such as structural, functional, and spatial information, amino acid conservation, physicochemical variation, residue mobility, and thermodynamic stability) performed at Invitae indicates that this missense variant is not expected to disrupt SCN3A protein function with a negative predictive value of 95%. In summary, the available evidence is currently insufficient to determine the role of this variant in disease. Therefore, it has been classified as a Variant of Uncertain Significance.

GeneDx
Classification: Uncertain significance. Last evaluated: 2022-10-21. Review status: criteria provided, single submitter. Criteria: GeneDx Variant Classification Process June 2021. Collection method: clinical testing. Allele origin: germline. Affected: yes.
Comment: Not observed at significant frequency in large population cohorts (gnomAD); In silico analysis supports that this missense variant does not alter protein structure/function; Has not been previously published as pathogenic or benign to our knowledge

NM_006922.4(SCN3A):c.1843C>A (p.His615Asn)

Gene: SCN3A (sodium voltage-gated channel alpha subunit 3; minus strand). Cytogenetic location: 2q24.3.
Variant type: single nucleotide variant.
Coding change: c.1843C>A on transcript NM_006922.4 (MANE Select); coding-DNA position 1843, C replaced by A.
Protein change: p.His615Asn; replaces histidine 615 with asparagine.
Molecular consequence: missense variant.
Genome position (GRCh38, 1-based): chr2:165,140,827, G>T on the plus strand (C>A on the coding strand, the complement: SCN3A is on the minus strand). VCF-style: chr2-165140827-G-T. GRCh37 (hg19) VCF-style: chr2-165997337-G-T.
Other names: c.1843C>A, p.His615Asn (NM_001081676.2, NM_001081677.2); short protein forms H615N.
Identifiers: ClinVar variation 2499764 (VCV002499764.3), dbSNP rs2468324228, ClinGen allele CA349046567.